The following is an entry in ClinVar:

NM_000136.3(FANCC):c.239T>C (p.Ile80Thr)

Gene: FANCC (FA complementation group C; minus strand). Cytogenetic location: 9q22.32.
Variant type: single nucleotide variant.
Coding change: c.239T>C on transcript NM_000136.3 (MANE Select); coding-DNA position 239, T replaced by C.
Protein change: p.Ile80Thr; replaces isoleucine 80 with threonine.
Molecular consequence: missense variant.
Genome position (GRCh38, 1-based): chr9:95,247,443, A>G on the plus strand (T>C on the coding strand, the complement: FANCC is on the minus strand). VCF-style: chr9-95247443-A-G. GRCh37 (hg19) VCF-style: chr9-98009725-A-G.
Other names: p.I80T:ATT>ACT; c.239T>C, p.Ile80Thr (NM_001243743.2, NM_001243744.2); short protein forms I80T.
Identifiers: ClinVar variation 182495 (VCV000182495.12), dbSNP rs4647419, ClinGen allele CA299212.
Genomic context (GRCh38, chr9:95,247,443, plus strand): 5'-TGCAAAGATTAAAATAGCCATTTTGAGAGGACACGTTTTTGATTCTTACCATATGCTAAA[A>G]TAAAAGGATTCCAACAAGCTTTTGCCAACAGTTGACCAATTGTGGGGAATCTTTCAATGA-3'
Protein context (NP_000127.2, residues 70-90): LLAKACWNPF[Ile80Thr]LAYDESQKIL

ClinVar aggregate classification (germline): Conflicting classifications of pathogenicity. Review status: criteria provided, conflicting classifications (1 of 4 stars). 6 submissions from 6 submitters: Uncertain significance (4); Likely benign (1). 1 of the submissions does not count toward it. Last evaluated 2024-09-16.

Conditions:
Hereditary cancer-predisposing syndrome. Also called: Tumor predisposition; Neoplastic Syndromes, Hereditary; Hereditary neoplastic syndrome; Hereditary Cancer Syndrome. Identifiers: Orphanet 140162, MedGen C0027672, MeSH D009386, MONDO:0015356.
Fanconi anemia (FA). Also called: Fanconi's anemia. Identifiers: Orphanet 84, MedGen C0015625, MeSH D005199, MONDO:0019391.
Fanconi anemia complementation group C (FANCC). Also called: FANCONI PANCYTOPENIA, TYPE 3; FACC; Fanconi anemia, group C; FANCC-Related Fanconi Anemia. Identifiers: Orphanet 84, MedGen C3468041, MONDO:0009213, OMIM 227645.

Allele frequency attached by ClinVar (database versions not stated): gnomAD 0.00001; gnomAD exomes 0.00001 and 0.00003; TOPMed 0.00001; ExAC 0.00004.
gnomAD v4.1: 13 of 1,612,724 alleles (0.00081%); highest among the groups gnomAD compares: East Asian, 0.025%; no homozygotes.

Submissions (6):

Labcorp Genetics (formerly Invitae), Labcorp
Classification: Uncertain significance for Fanconi anemia. Last evaluated: 2024-09-16. Review status: criteria provided, single submitter. Criteria: Invitae Variant Classification Sherloc (09022015). Collection method: clinical testing. Allele origin: germline.
Comment: This sequence change replaces isoleucine, which is neutral and non-polar, with threonine, which is neutral and polar, at codon 80 of the FANCC protein (p.Ile80Thr). The frequency data for this variant in the population databases is considered unreliable, as metrics indicate poor data quality at this position in the gnomAD database. This variant has not been reported in the literature in individuals affected with FANCC-related conditions. ClinVar contains an entry for this variant (Variation ID: 182495). Invitae Evidence Modeling of protein sequence and biophysical properties (such as structural, functional, and spatial information, amino acid conservation, physicochemical variation, residue mobility, and thermodynamic stability) indicates that this missense variant is expected to disrupt FANCC protein function with a positive predictive value of 80%. In summary, the available evidence is currently insufficient to determine the role of this variant in disease. Therefore, it has been classified as a Variant of Uncertain Significance.

Blueprint Genetics
Classification: Uncertain significance. Last evaluated: 2023-05-05. Review status: criteria provided, single submitter. Criteria: ACMG Guidelines, 2015. Collection method: clinical testing. Allele origin: germline.

Ambry Genetics
Classification: Likely benign for Hereditary cancer-predisposing syndrome. Last evaluated: 2022-11-21. Review status: criteria provided, single submitter. Criteria: Ambry Variant Classification Scheme 2023. Collection method: clinical testing. Allele origin: germline.

Fulgent Genetics
Classification: Uncertain significance for Fanconi anemia complementation group C. Last evaluated: 2022-05-04. Review status: criteria provided, single submitter. Criteria: ACMG Guidelines, 2015. Collection method: clinical testing. Allele origin: unknown.

GeneDx
Classification: Uncertain significance. Last evaluated: 2018-07-02. Review status: criteria provided, single submitter. Criteria: GeneDx Variant Classification (06012015). Collection method: clinical testing. Allele origin: germline. Affected: yes.
Comment: This variant is denoted FANCC c.239T>C at the cDNA level, p.Ile80Thr (I80T) at the protein level, and results in the change of an Isoleucine to a Threonine (ATT>ACT). This variant has not, to our knowledge, been published in the literature as a pathogenic or benign germline variant. FANCC Ile80Thr was not observed at a significant allele frequency in large population cohorts (Lek 2016). FANCC Ile80Thr is located in the RED binding domain (Gordon and Buchwald 2000). In silico analysis, which includes protein predictors and evolutionary conservation, supports a deleterious effect. Based on currently available information, it is unclear whether FANCC Ile80Thr is pathogenic or benign. We consider it to be a variant of uncertain significance.

Natera, Inc.
Classification: Uncertain significance for Fanconi anemia. Last evaluated: 2019-02-12. Review status: no assertion criteria provided. Collection method: clinical testing. Allele origin: germline. Not counted in ClinVar's aggregate classification.